The following is an entry in ClinVar:

ClinVar aggregate classification (germline): Likely benign (0 of 4 stars; one submission).

Conditions:
RELN-related disorder. Also called: RELN-related condition.

Submission:

PreventionGenetics, part of Exact Sciences
Classification: Likely benign for RELN-related condition. Last evaluated: 2023-05-30. Review status: no assertion criteria provided. Collection method: clinical testing. Allele origin: germline.
Comment: This variant is classified as likely benign based on ACMG/AMP sequence variant interpretation guidelines (Richards et al. 2015 PMID: 25741868, with internal and published modifications).

NM_005045.4(RELN):c.3333+4T>G

Gene: RELN (reelin; minus strand). Cytogenetic location: 7q22.1.
Variant type: single nucleotide variant.
Coding change: c.3333+4T>G on transcript NM_005045.4 (MANE Select); 4 bases into the intron after coding-DNA position 3333, T replaced by G.
Molecular consequence: intron variant.
Genome position (GRCh38, 1-based): chr7:103,603,300, A>C on the plus strand (T>G on the coding strand, the complement: RELN is on the minus strand). VCF-style: chr7-103603300-A-C. GRCh37 (hg19) VCF-style: chr7-103243747-A-C.
Other names: c.3333+4T>G (NM_173054.3).
Identifiers: ClinVar variation 3034917 (VCV003034917.2), dbSNP rs754465666, ClinGen allele CA2740097473.